The following is an entry in ClinVar:

NM_201548.5(CERKL):c.233C>T (p.Pro78Leu)

Genes: CERKL (CERK like autophagy regulator; minus strand), LOC129935214 (ATAC-STARR-seq lymphoblastoid silent region 12157; plus strand). Cytogenetic location: 2q31.3.
Variant type: single nucleotide variant.
Coding change: c.233C>T on transcript NM_201548.5 (MANE Select); coding-DNA position 233, C replaced by T.
Protein change: p.Pro78Leu; replaces proline 78 with leucine.
Molecular consequence: missense variant. On other transcripts: non-coding transcript variant (2).
Genome position (GRCh38, 1-based): chr2:181,656,774, G>A on the plus strand (C>T on the coding strand, the complement: CERKL is on the minus strand). VCF-style: chr2-181656774-G-A. GRCh37 (hg19) VCF-style: chr2-182521501-G-A.
Other names: c.233C>T, p.Pro78Leu (NM_001030311.3, NM_001030312.3, NM_001030313.3 and 3 more transcripts); short protein forms P78L.
Identifiers: ClinVar variation 2080022 (VCV002080022.4), dbSNP rs775413999, ClinGen allele CA349744216.
Genomic context (GRCh38, chr2:181,656,774, plus strand): 5'-GGGGAGAGGGAGGAAGCGCGGAGGGAGGCGAAGACGCTTGGGGCCGGGCACTCACCCGCC[G>A]GGCGCTCGGGCTGAATGGGCCGCCACCGCAGTGCTCGCTCGCTCAGCACCACGTCACAAC-3'
Protein context (NP_963842.1, residues 68-88): LRWRPIQPER[Pro78Leu]AGDSKYDLLC

ClinVar aggregate classification (germline): Uncertain significance (1 of 4 stars; one submission).

gnomAD v4.1: 1 of 1,592,074 alleles (0.000063%); highest among the groups gnomAD compares: Non-Finnish European, 0.000086%; no homozygotes.

Submission:

Labcorp Genetics (formerly Invitae), Labcorp
Classification: Uncertain significance. Last evaluated: 2022-03-09. Review status: criteria provided, single submitter. Criteria: Invitae Variant Classification Sherloc (09022015). Collection method: clinical testing. Allele origin: germline.
Comment: This sequence change replaces proline, which is neutral and non-polar, with leucine, which is neutral and non-polar, at codon 78 of the CERKL protein (p.Pro78Leu). This variant is not present in population databases (gnomAD no frequency). This variant has not been reported in the literature in individuals affected with CERKL-related conditions. Algorithms developed to predict the effect of missense changes on protein structure and function output the following: SIFT: "Tolerated"; PolyPhen-2: "Benign"; Align-GVGD: "Class C0". The leucine amino acid residue is found in multiple mammalian species, which suggests that this missense change does not adversely affect protein function. In summary, the available evidence is currently insufficient to determine the role of this variant in disease. Therefore, it has been classified as a Variant of Uncertain Significance.